The following is an entry in ClinVar:

ClinVar aggregate classification (germline): Likely benign (0 of 4 stars; one submission).

Conditions:
ACAD9-related disorder. Also called: ACAD9-related condition.

Submission:

PreventionGenetics, part of Exact Sciences
Classification: Likely benign for ACAD9-related condition. Last evaluated: 2019-12-26. Review status: no assertion criteria provided. Collection method: clinical testing. Allele origin: germline.
Comment: This variant is classified as likely benign based on ACMG/AMP sequence variant interpretation guidelines (Richards et al. 2015 PMID: 25741868, with internal and published modifications).

NM_014049.5(ACAD9):c.1203C>G (p.Leu401=)

Gene: ACAD9 (acyl-CoA dehydrogenase family member 9; plus strand). Cytogenetic location: 3q21.3.
Variant type: single nucleotide variant.
Coding change: c.1203C>G on transcript NM_014049.5 (MANE Select); coding-DNA position 1203, C replaced by G.
Protein change: p.Leu401=; no amino-acid change (leucine 401 retained).
Molecular consequence: synonymous variant. On other transcripts: non-coding transcript variant (1).
Genome position (GRCh38, 1-based): chr3:128,906,174, C>G. VCF-style: chr3-128906174-C-G. GRCh37 (hg19) VCF-style: chr3-128625017-C-G.
Other names: c.834C>G, p.Leu278= (NM_001410805.1).
Identifiers: ClinVar variation 3036928 (VCV003036928.2), dbSNP rs192615514, ClinGen allele CA435592673.